The following is an entry in ClinVar:

NM_152327.5(AK7):c.2095T>A (p.Cys699Ser)

Gene: AK7 (adenylate kinase 7; plus strand). Cytogenetic location: 14q32.2.
Variant type: single nucleotide variant.
Coding change: c.2095T>A on transcript NM_152327.5 (MANE Select); coding-DNA position 2095, T replaced by A.
Protein change: p.Cys699Ser; replaces cysteine 699 with serine.
Molecular consequence: missense variant.
Genome position (GRCh38, 1-based): chr14:96,487,018, T>A. VCF-style: chr14-96487018-T-A. GRCh37 (hg19) VCF-style: chr14-96953355-T-A.
Other names: c.2026T>A, p.Cys676Ser (NM_001350888.2, NM_001350890.2); c.2017T>A, p.Cys673Ser (NM_001350891.2); c.1897T>A, p.Cys633Ser (NM_001350892.2); short protein forms C673S, C633S, C699S, C676S.
Identifiers: ClinVar variation 1960435 (VCV001960435.5), dbSNP rs1339557587, ClinGen allele CA390926469.
Genomic context (GRCh38, chr14:96,487,018, plus strand): 5'-CCCCTGAGAAACTATTTAATGACCTATGTGATGCCAACTCTTATTCAGGGCCTGAATGAA[T>A]GTTGCAACGTCCGACCCGAAGACCCTGTTGATTTTCTGGTAACATATTTAATTTTTAAAA-3'
Protein context (NP_689540.2, residues 689-709): MPTLIQGLNE[Cys699Ser]CNVRPEDPVD

ClinVar aggregate classification (germline): Uncertain significance (1 of 4 stars; one submission).

Submission:

Labcorp Genetics (formerly Invitae), Labcorp
Classification: Uncertain significance. Last evaluated: 2022-05-03. Review status: criteria provided, single submitter. Criteria: Invitae Variant Classification Sherloc (09022015). Collection method: clinical testing. Allele origin: germline.
Comment: This variant is not present in population databases (gnomAD no frequency). This sequence change replaces cysteine, which is neutral and slightly polar, with serine, which is neutral and polar, at codon 699 of the AK7 protein (p.Cys699Ser). Algorithms developed to predict the effect of missense changes on protein structure and function (SIFT, PolyPhen-2, Align-GVGD) all suggest that this variant is likely to be disruptive. In summary, the available evidence is currently insufficient to determine the role of this variant in disease. Therefore, it has been classified as a Variant of Uncertain Significance. This variant has not been reported in the literature in individuals affected with AK7-related conditions.